The following is an entry in ClinVar:

NM_014491.4(FOXP2):c.1283G>A (p.Ser428Asn)

Gene: FOXP2 (forkhead box P2; plus strand). Cytogenetic location: 7q31.1.
Variant type: single nucleotide variant.
Coding change: c.1283G>A on transcript NM_014491.4 (MANE Select); coding-DNA position 1283, G replaced by A.
Protein change: p.Ser428Asn; replaces serine 428 with asparagine.
Molecular consequence: missense variant. On other transcripts: non-coding transcript variant (1).
Genome position (GRCh38, 1-based): chr7:114,658,082, G>A. VCF-style: chr7-114658082-G-A. GRCh37 (hg19) VCF-style: chr7-114298137-G-A.
Other names: c.1280G>A, p.Ser427Asn (NM_001172766.3); c.1358G>A, p.Ser453Asn (NM_148898.4); c.1334G>A, p.Ser445Asn (NM_148900.4); short protein forms S427N, S428N, S445N, S453N.
Identifiers: ClinVar variation 5017445 (VCV005017445.1).

ClinVar aggregate classification (germline): Uncertain significance (1 of 4 stars; one submission).

gnomAD v4.1: 1 of 1,613,646 alleles (0.000062%); highest among the groups gnomAD compares: Non-Finnish European, 0.000085%; no homozygotes.

Submission:

GeneDx
Classification: Uncertain significance. Last evaluated: 2026-03-25. Review status: criteria provided, single submitter. Criteria: GeneDx Variant Classification Process June 2021. Collection method: clinical testing. Allele origin: germline.
Comment: Not observed at significant frequency in large population cohorts (gnomAD); In silico analysis suggests that this missense variant does not alter protein structure/function; Has not been previously published as pathogenic or benign to our knowledge